The following is an entry in ClinVar:

NM_001393504.1(MAST3):c.3531C>A (p.Ser1177Arg)

Gene: MAST3 (microtubule associated serine/threonine kinase 3; plus strand). Cytogenetic location: 19p13.11.
Variant type: single nucleotide variant.
Coding change: c.3531C>A on transcript NM_001393504.1 (MANE Select); coding-DNA position 3531, C replaced by A.
Protein change: p.Ser1177Arg; replaces serine 1177 with arginine.
Molecular consequence: missense variant.
Genome position (GRCh38, 1-based): chr19:18,149,213, C>A. VCF-style: chr19-18149213-C-A. GRCh37 (hg19) VCF-style: chr19-18260023-C-A.
Other names: c.3555C>A, p.Ser1185Arg (NM_001393501.1); c.3534C>A, p.Ser1178Arg (NM_001393502.1); c.3531C>A, p.Ser1177Arg (NM_001393503.1); c.3501C>A, p.Ser1167Arg (NM_001393505.1); c.3483C>A, p.Ser1161Arg (NM_001393506.1, NM_001393507.1); c.3465C>A, p.Ser1155Arg (NM_001393508.1); c.3462C>A, p.Ser1154Arg (NM_001393509.1, NM_001393510.1); c.3459C>A, p.Ser1153Arg (NM_001393511.1, NM_001393512.1); and 9 more; short protein forms S1130R, S1138R, S1139R, S1144R, S1145R, S1146R, S1147R, S1148R.
Identifiers: ClinVar variation 4688556 (VCV004688556.1).
Genomic context (GRCh38, chr19:18,149,213, plus strand): 5'-TGAGGCCAGCAGCCCTGACCTACGCTTATCACCCACAGATACCACTGCATCCCCACCCAG[C>A]GCATCCCCGAGCTCCAGCAGCCCCGCCTCCCCAGCTGCTGCTGGCCACACCCGCCCCAGC-3'
Protein context (NP_001380433.1, residues 1167-1187): VPADTTASPP[Ser1177Arg]ASPSSSSPAS

ClinVar aggregate classification (germline): Uncertain significance (1 of 4 stars; one submission).

Submission:

Women's Health and Genetics/Laboratory Corporation of America, LabCorp
Classification: Uncertain significance. Last evaluated: 2025-12-04. Review status: criteria provided, single submitter. Criteria: LabCorp Variant Classification Summary - May 2015. Collection method: clinical testing. Allele origin: germline.
Comment: Variant summary: MAST3 c.3417C>A (p.Ser1139Arg) results in a non-conservative amino acid change in the encoded protein sequence. Algorithms developed to predict the effect of missense changes on protein structure and function are either unavailable or do not agree on the potential impact of this missense change. The variant was absent in 178456 control chromosomes. The available data on variant occurrences in the general population are insufficient to allow any conclusion about variant significance. To our knowledge, no occurrence of c.3417C>A in individuals affected with MAST3-related conditions and no experimental evidence demonstrating its impact on protein function have been reported. No submitters have cited clinical-significance assessments for this variant to ClinVar. Based on the evidence outlined above, the variant was classified as uncertain significance.